The following is an entry in ClinVar:

NM_006767.4(LZTR1):c.217G>A (p.Val73Met)

Gene: LZTR1 (leucine zipper like post translational regulator 1; plus strand). Cytogenetic location: 22q11.21.
Variant type: single nucleotide variant.
Coding change: c.217G>A on transcript NM_006767.4 (MANE Select); coding-DNA position 217, G replaced by A.
Protein change: p.Val73Met; replaces valine 73 with methionine.
Molecular consequence: missense variant.
Genome position (GRCh38, 1-based): chr22:20,983,043, G>A. VCF-style: chr22-20983043-G-A. GRCh37 (hg19) VCF-style: chr22-21337332-G-A.
Other names: short protein forms V73M.
Identifiers: ClinVar variation 1787244 (VCV001787244.5), dbSNP rs757203744, ClinGen allele CA10118313.

ClinVar aggregate classification (germline): Uncertain significance. Review status: criteria provided, multiple submitters, no conflicts (2 of 4 stars). 2 submissions from 2 submitters: Uncertain significance (2). Last evaluated 2026-01-25.

Conditions:
Hereditary cancer-predisposing syndrome. Also called: Neoplastic Syndromes, Hereditary; Tumor predisposition; Hereditary Cancer Syndrome; Hereditary neoplastic syndrome. Identifiers: Orphanet 140162, MedGen C0027672, MeSH D009386, MONDO:0015356.
Cardiovascular phenotype. Identifiers: MedGen CN230736.

Allele frequency attached by ClinVar (database versions not stated): ExAC 0.00001.
gnomAD v4.1: 1 of 1,614,164 alleles (0.000062%); highest among the groups gnomAD compares: South Asian, 0.0011%; no homozygotes.

Submissions (2):

Labcorp Genetics (formerly Invitae), Labcorp
Classification: Uncertain significance. Last evaluated: 2026-01-25. Review status: criteria provided, single submitter. Criteria: Invitae Variant Classification Sherloc (09022015). Collection method: clinical testing. Allele origin: germline.
Comment: This sequence change replaces valine, which is neutral and non-polar, with methionine, which is neutral and non-polar, at codon 73 of the LZTR1 protein (p.Val73Met). This variant is present in population databases (rs757203744, gnomAD 0.003%). This variant has not been reported in the literature in individuals affected with LZTR1-related conditions. ClinVar contains an entry for this variant (Variation ID: 1787244). Invitae Evidence Modeling of protein sequence and biophysical properties (such as structural, functional, and spatial information, amino acid conservation, physicochemical variation, residue mobility, and thermodynamic stability) indicates that this missense variant is not expected to disrupt LZTR1 protein function with a negative predictive value of 80%. In summary, the available evidence is currently insufficient to determine the role of this variant in disease. Therefore, it has been classified as a Variant of Uncertain Significance.

Ambry Genetics
Classification: Uncertain significance for Cardiovascular phenotype; Hereditary cancer-predisposing syndrome. Last evaluated: 2025-05-13. Review status: criteria provided, single submitter. Criteria: Ambry Variant Classification Scheme 2023. Collection method: clinical testing. Allele origin: germline.
Comment: The p.V73M variant (also known as c.217G>A), located in coding exon 2 of the LZTR1 gene, results from a G to A substitution at nucleotide position 217. The valine at codon 73 is replaced by methionine, an amino acid with highly similar properties. This amino acid position is conserved. In addition, the in silico prediction for this alteration is inconclusive. Based on the available evidence, the clinical significance of this variant remains unclear.